The following is an entry in ClinVar:

ClinVar aggregate classification (germline): Uncertain significance (1 of 4 stars; one submission).

Allele frequency attached by ClinVar (database versions not stated): gnomAD exomes 0.00001; ExAC 0.00002; gnomAD 0.00003 and 0.00004; TOPMed 0.00005.
gnomAD v4.1: 7 of 1,614,016 alleles (0.00043%); highest among the groups gnomAD compares: African/African-American, 0.0093%; no homozygotes.

Submission:

Labcorp Genetics (formerly Invitae), Labcorp
Classification: Uncertain significance. Last evaluated: 2024-02-23. Review status: criteria provided, single submitter. Criteria: Invitae Variant Classification Sherloc (09022015). Collection method: clinical testing. Allele origin: germline.
Comment: This sequence change replaces serine, which is neutral and polar, with asparagine, which is neutral and polar, at codon 1574 of the TRPM1 protein (p.Ser1574Asn). This variant is present in population databases (rs768275799, gnomAD 0.02%). This variant has not been reported in the literature in individuals affected with TRPM1-related conditions. ClinVar contains an entry for this variant (Variation ID: 1387233). Advanced modeling of protein sequence and biophysical properties (such as structural, functional, and spatial information, amino acid conservation, physicochemical variation, residue mobility, and thermodynamic stability) has been performed at Invitae for this missense variant, however the output from this modeling did not meet the statistical confidence thresholds required to predict the impact of this variant on TRPM1 protein function. In summary, the available evidence is currently insufficient to determine the role of this variant in disease. Therefore, it has been classified as a Variant of Uncertain Significance.

NM_001252024.2(TRPM1):c.4787G>A (p.Ser1596Asn)

Gene: TRPM1 (transient receptor potential cation channel subfamily M member 1; minus strand). Cytogenetic location: 15q13.3.
Variant type: single nucleotide variant.
Coding change: c.4787G>A on transcript NM_001252024.2 (MANE Select); coding-DNA position 4787, G replaced by A.
Protein change: p.Ser1596Asn; replaces serine 1596 with asparagine.
Molecular consequence: missense variant.
Genome position (GRCh38, 1-based): chr15:31,001,913, C>T on the plus strand (G>A on the coding strand, the complement: TRPM1 is on the minus strand). VCF-style: chr15-31001913-C-T. GRCh37 (hg19) VCF-style: chr15-31294116-C-T.
Other names: c.4838G>A, p.Ser1613Asn (NM_001252020.2); c.4721G>A, p.Ser1574Asn (NM_002420.6); short protein forms S1574N, S1596N, S1613N.
Identifiers: ClinVar variation 1387233 (VCV001387233.8), dbSNP rs768275799, ClinGen allele CA7451576.